The following is an entry in ClinVar:

ClinVar aggregate classification (germline): Likely benign (1 of 4 stars; one submission).

Allele frequency attached by ClinVar (database versions not stated): 1000 Genomes Project 30x 0.00016; 1000 Genomes Project 0.00020; ExAC 0.00050; TOPMed 0.00078; gnomAD 0.00080; ESP Exome Variant Server 0.00146.
gnomAD v4.1: 1,408 of 1,370,930 alleles (0.1%); highest among the groups gnomAD compares: Non-Finnish European, 0.14%; 2 homozygotes.

Submission:

CeGaT Center for Human Genetics Tuebingen
Classification: Likely benign. Last evaluated: 2025-09-01. Review status: criteria provided, single submitter. Criteria: CeGaT Center For Human Genetics Tuebingen Variant Classification Criteria Version 2. Collection method: clinical testing. Allele origin: germline. Affected: yes. Observed: 2 variant alleles.
Comment: PIGK: BP4, BP7

NM_005482.3(PIGK):c.699C>T (p.Leu233=)

Gene: PIGK (phosphatidylinositol glycan anchor biosynthesis class K; minus strand). Cytogenetic location: 1p31.1.
Variant type: single nucleotide variant.
Coding change: c.699C>T on transcript NM_005482.3 (MANE Select); coding-DNA position 699, C replaced by T.
Protein change: p.Leu233=; no amino-acid change (leucine 233 retained).
Molecular consequence: synonymous variant.
Genome position (GRCh38, 1-based): chr1:77,161,597, G>A on the plus strand (C>T on the coding strand, the complement: PIGK is on the minus strand). VCF-style: chr1-77161597-G-A. GRCh37 (hg19) VCF-style: chr1-77627282-G-A.
Identifiers: ClinVar variation 2638886 (VCV002638886.24), dbSNP rs35968680, ClinGen allele CA915861.